The following is an entry in ClinVar:

NM_001114753.3(ENG):c.-99C>T

Gene: ENG (endoglin; minus strand). Cytogenetic location: 9q34.11.
Variant type: single nucleotide variant.
Coding change: c.-99C>T on transcript NM_001114753.3 (MANE Select); 99 bases upstream of the start codon, C replaced by T.
Molecular consequence: 5 prime UTR variant.
Genome position (GRCh38, 1-based): chr9:127,854,454, G>A on the plus strand (C>T on the coding strand, the complement: ENG is on the minus strand). VCF-style: chr9-127854454-G-A. GRCh37 (hg19) VCF-style: chr9-130616733-G-A.
Other names: c.-99C>T (NM_000118.4, NM_001406715.1).
Identifiers: ClinVar variation 1433675 (VCV001433675.5), dbSNP rs1488678420, ClinGen allele CA860212195.

ClinVar aggregate classification (germline): Uncertain significance (1 of 4 stars; one submission).

Conditions:
Hereditary hemorrhagic telangiectasia (HHT). Also called: ORW DISEASE; Osler Weber Rendu syndrome; OSLER-RENDU-WEBER DISEASE; Osler hemorrhagic telangiectasia syndrome. Identifiers: Orphanet 774, MedGen C0039445, MONDO:0019180. Disease mechanism: loss of function.

Allele frequency attached by ClinVar (database versions not stated): gnomAD 0.00001; gnomAD exomes 0.00001; TOPMed 0.00002.
gnomAD v4.1: 13 of 1,346,904 alleles (0.00097%); highest among the groups gnomAD compares: African/African-American, 0.0045%; no homozygotes.

Submission:

Labcorp Genetics (formerly Invitae), Labcorp
Classification: Uncertain significance for Hereditary hemorrhagic telangiectasia. Last evaluated: 2021-06-13. Review status: criteria provided, single submitter. Criteria: Invitae Variant Classification Sherloc (09022015). Collection method: clinical testing. Allele origin: germline.
Comment: This variant occurs in a non-coding region of the ENG gene. It does not change the encoded amino acid sequence of the ENG protein. The frequency data for this variant in the population databases is considered unreliable, as metrics indicate insufficient coverage at this position in the ExAC database. This variant has not been reported in the literature in individuals with ENG-related conditions. Experimental studies and prediction algorithms are not available or were not evaluated, and the functional significance of this variant is currently unknown. In summary, the available evidence is currently insufficient to determine the role of this variant in disease. Therefore, it has been classified as a Variant of Uncertain Significance.